The following is an entry in ClinVar:

NM_001365088.1(SLC12A6):c.2317C>T (p.His773Tyr)

Gene: SLC12A6 (solute carrier family 12 member 6; minus strand). Cytogenetic location: 15q14.
Variant type: single nucleotide variant.
Coding change: c.2317C>T on transcript NM_001365088.1 (MANE Select); coding-DNA position 2317, C replaced by T.
Protein change: p.His773Tyr; replaces histidine 773 with tyrosine.
Molecular consequence: missense variant.
Genome position (GRCh38, 1-based): chr15:34,240,780, G>A on the plus strand (C>T on the coding strand, the complement: SLC12A6 is on the minus strand). VCF-style: chr15-34240780-G-A. GRCh37 (hg19) VCF-style: chr15-34532981-G-A.
Other names: c.2140C>T, p.His714Tyr (NM_001042494.2, NM_001042495.2); c.2290C>T, p.His764Tyr (NM_001042496.2); c.2272C>T, p.His758Tyr (NM_001042497.2); c.2164C>T, p.His722Tyr (NM_005135.2); c.2317C>T, p.His773Tyr (NM_133647.2); short protein forms H764Y, H722Y, H714Y, H758Y, H773Y.
Identifiers: ClinVar variation 2448188 (VCV002448188.2), dbSNP rs2509761768, ClinGen allele CA391619794.
Genomic context (GRCh38, chr15:34,240,780, plus strand): 5'-CCACAATAGTGAGACCTTTTCCTGCTTTGAGCTGTGAGGCAAAGGTGAGGAGGCGAGGAT[G>A]CTTGACATGTAAGTCTTCATCTAGTTTCAGTAATACAAGCAACTGAGGCCTGTGAAGAGG-3'
Protein context (NP_001352017.1, residues 763-783): LKLDEDLHVK[His773Tyr]PRLLTFASQL

ClinVar aggregate classification (germline): Uncertain significance (1 of 4 stars; one submission).

Conditions:
Inborn genetic diseases. Identifiers: MedGen C0950123, MeSH D030342.

Allele frequency attached by ClinVar (database versions not stated): gnomAD exomes below 0.00001.
gnomAD v4.1: 1 of 1,614,038 alleles (0.000062%); highest among the groups gnomAD compares: Non-Finnish European, 0.000085%; no homozygotes.

Submission:

Ambry Genetics
Classification: Uncertain significance for Inborn genetic diseases. Last evaluated: 2022-12-04. Review status: criteria provided, single submitter. Criteria: Ambry Variant Classification Scheme 2023. Collection method: clinical testing. Allele origin: germline.
Comment: The p.H773Y variant (also known as c.2317C>T), located in coding exon 18 of the SLC12A6 gene, results from a C to T substitution at nucleotide position 2317. The histidine at codon 773 is replaced by tyrosine, an amino acid with similar properties. This amino acid position is conserved. In addition, the in silico prediction for this alteration is inconclusive. Since supporting evidence is limited at this time, the clinical significance of this alteration remains unclear.